The following is an entry in ClinVar:

NM_000531.6(OTC):c.298+1G>A

Gene: OTC (ornithine transcarbamylase; plus strand). Cytogenetic location: Xp11.4.
Variant type: single nucleotide variant.
Coding change: c.298+1G>A on transcript NM_000531.6 (MANE Select); the canonical splice donor site of the intron after coding-DNA position 298, G replaced by A.
Molecular consequence: splice donor variant.
Genome position (GRCh38, 1-based): chrX:38,369,878, G>A. VCF-style: chrX-38369878-G-A. GRCh37 (hg19) VCF-style: chrX-38229131-G-A.
Other names: c.298+1G>A (NM_001407092.1).
Identifiers: ClinVar variation 97159 (VCV000097159.8), dbSNP rs68058881, ClinGen allele CA224543.

ClinVar aggregate classification (germline): Pathogenic. Review status: criteria provided, single submitter (1 of 4 stars). 2 submissions from 2 submitters: Pathogenic (1). 1 of the submissions does not count toward it. Last evaluated 2024-12-31.

Conditions:
Ornithine carbamoyltransferase deficiency (OTCD). Also called: ORNITHINE TRANSCARBAMYLASE DEFICIENCY, HYPERAMMONEMIA DUE TO; ORNITHINE TRANSCARBAMYLASE DEFICIENCY; OTC DEFICIENCY; Ornithine Carbamoyltransferase Deficiency Disease. Identifiers: Orphanet 664, MedGen C0268542, MONDO:0010703, OMIM 311250.

Submissions (2):

Labcorp Genetics (formerly Invitae), Labcorp
Classification: Pathogenic for Ornithine carbamoyltransferase deficiency. Last evaluated: 2024-12-31. Review status: criteria provided, single submitter. Criteria: Invitae Variant Classification Sherloc (09022015). Collection method: clinical testing. Allele origin: germline.
Comment: This sequence change affects a donor splice site in intron 3 of the OTC gene. It is expected to disrupt RNA splicing. Variants that disrupt the donor or acceptor splice site typically lead to a loss of protein function (PMID: 16199547), and loss-of-function variants in OTC are known to be pathogenic (PMID: 10946359, 16786505). This variant is not present in population databases (gnomAD no frequency). Disruption of this splice site has been observed in individuals with ornithine transcarbamylase deficiency (PMID: 8530002, 16786505, 25433810, 28815739). ClinVar contains an entry for this variant (Variation ID: 97159). Algorithms developed to predict the effect of sequence changes on RNA splicing suggest that this variant may disrupt the consensus splice site. For these reasons, this variant has been classified as Pathogenic.

GenMed Metabolism Lab
Classification: Pathogenic. Review status: no assertion criteria provided. Collection method: not provided. Allele origin: unknown. Not counted in ClinVar's aggregate classification.
Comment: Neonatal, Donor splice site error
ClinVar note: Converted during submission from pathogenic to Pathogenic.

Literature cited by the submitters: PubMed 16199547 (cited by Labcorp Genetics (formerly Invitae), Labcorp); PubMed 10946359 (cited by Labcorp Genetics (formerly Invitae), Labcorp); PubMed 16786505 (cited by Labcorp Genetics (formerly Invitae), Labcorp); PubMed 8530002 (cited by Labcorp Genetics (formerly Invitae), Labcorp); PubMed 25433810 (cited by Labcorp Genetics (formerly Invitae), Labcorp); PubMed 28815739 (cited by Labcorp Genetics (formerly Invitae), Labcorp).